The following is an entry in ClinVar:

NM_000051.4(ATM):c.8007T>G (p.Ile2669Met)

Genes: ATM (ATM serine/threonine kinase; plus strand), C11orf65 (chromosome 11 open reading frame 65; minus strand). Cytogenetic location: 11q22.3.
Variant type: single nucleotide variant.
Coding change: c.8007T>G on transcript NM_000051.4 (MANE Select); coding-DNA position 8007, T replaced by G.
Protein change: p.Ile2669Met; replaces isoleucine 2669 with methionine.
Molecular consequence: missense variant. On other transcripts: intron variant (2).
Genome position (GRCh38, 1-based): chr11:108,333,965, T>G. VCF-style: chr11-108333965-T-G. GRCh37 (hg19) VCF-style: chr11-108204692-T-G.
Other names: c.8007T>G, p.Ile2669Met (NM_001351834.2); c.641-24894A>C (NM_001330368.2); c.*38+1255A>C (NM_001351110.2); short protein forms I2669M.
Identifiers: ClinVar variation 1761622 (VCV001761622.2), dbSNP rs2136617720, ClinGen allele CA382561812.
Genomic context (GRCh38, chr11:108,333,965, plus strand): 5'-AGACCAGCCAATTACTAAACTTAAGAATTTAGAAGATGTTGTTGTCCCTACTATGGAAAT[T>G]AAGGTAATTTGCAATTAACTCTTGATTTTTTTTAAACTAAATTTTTTTTATTAGATTGAA-3'
Protein context (NP_000042.3, residues 2659-2679): LEDVVVPTME[Ile2669Met]KVDHTGEYGN

ClinVar aggregate classification (germline): Uncertain significance (1 of 4 stars; one submission).

Conditions:
Hereditary cancer-predisposing syndrome. Also called: Hereditary neoplastic syndrome; Neoplastic Syndromes, Hereditary; Tumor predisposition; Hereditary Cancer Syndrome. Identifiers: Orphanet 140162, MedGen C0027672, MeSH D009386, MONDO:0015356.

Submission:

Ambry Genetics
Classification: Uncertain significance for Hereditary cancer-predisposing syndrome. Last evaluated: 2023-11-30. Review status: criteria provided, single submitter. Criteria: Ambry Variant Classification Scheme 2023. Collection method: clinical testing. Allele origin: germline.
Comment: The p.I2669M variant (also known as c.8007T>G), located in coding exon 53 of the ATM gene, results from a T to G substitution at nucleotide position 8007. The isoleucine at codon 2669 is replaced by methionine, an amino acid with highly similar properties. This amino acid position is well conserved in available vertebrate species. In addition, this alteration is predicted to be tolerated by in silico analysis. Since supporting evidence is limited at this time, the clinical significance of this alteration remains unclear.